The following is an entry in ClinVar:

ClinVar aggregate classification (germline): Conflicting classifications of pathogenicity. Review status: criteria provided, conflicting classifications (1 of 4 stars). 2 submissions from 2 submitters: Uncertain significance (1); Likely benign (1). Last evaluated 2023-02-27.

Conditions:
Inborn genetic diseases. Identifiers: MedGen C0950123, MeSH D030342.

Allele frequency attached by ClinVar (database versions not stated): ExAC 0.00002; gnomAD 0.00003; gnomAD exomes 0.00004; TOPMed 0.00006; 1000 Genomes Project 30x 0.00016; 1000 Genomes Project 0.00020.
gnomAD v4.1: 68 of 1,614,188 alleles (0.0042%); highest among the groups gnomAD compares: East Asian, 0.038%; no homozygotes.

Submissions (2):

Ambry Genetics
Classification: Likely benign for Inborn genetic diseases. Last evaluated: 2023-02-27. Review status: criteria provided, single submitter. Criteria: Ambry Variant Classification Scheme 2023. Collection method: clinical testing. Allele origin: germline.

Labcorp Genetics (formerly Invitae), Labcorp
Classification: Uncertain significance. Last evaluated: 2022-03-18. Review status: criteria provided, single submitter. Criteria: Invitae Variant Classification Sherloc (09022015). Collection method: clinical testing. Allele origin: germline.
Comment: This sequence change replaces threonine, which is neutral and polar, with methionine, which is neutral and non-polar, at codon 523 of the PLOD3 protein (p.Thr523Met). The frequency data for this variant in the population databases is considered unreliable, as metrics indicate poor data quality at this position in the gnomAD database. This variant has not been reported in the literature in individuals affected with PLOD3-related conditions. Algorithms developed to predict the effect of missense changes on protein structure and function are either unavailable or do not agree on the potential impact of this missense change (SIFT: "Deleterious"; PolyPhen-2: "Benign"; Align-GVGD: "Class C15"). In summary, the available evidence is currently insufficient to determine the role of this variant in disease. Therefore, it has been classified as a Variant of Uncertain Significance.

NM_001084.5(PLOD3):c.1568C>T (p.Thr523Met)

Gene: PLOD3 (procollagen-lysine,2-oxoglutarate 5-dioxygenase 3; minus strand). Cytogenetic location: 7q22.1.
Variant type: single nucleotide variant.
Coding change: c.1568C>T on transcript NM_001084.5 (MANE Select); coding-DNA position 1568, C replaced by T.
Protein change: p.Thr523Met; replaces threonine 523 with methionine.
Molecular consequence: missense variant.
Genome position (GRCh38, 1-based): chr7:101,210,377, G>A on the plus strand (C>T on the coding strand, the complement: PLOD3 is on the minus strand). VCF-style: chr7-101210377-G-A. GRCh37 (hg19) VCF-style: chr7-100853658-G-A.
Other names: c.1568C>T (NM_001084.4); short protein forms T523M.
Identifiers: ClinVar variation 2141780 (VCV002141780.3), dbSNP rs202176617, ClinGen allele CA4407626.